The following is an entry in ClinVar:

ClinVar aggregate classification (germline): Benign/Likely benign. Review status: criteria provided, multiple submitters, no conflicts (2 of 4 stars). 9 submissions from 9 submitters: Benign (2); Likely benign (5). 2 of the submissions do not count toward it. Last evaluated 2026-02-02.

Conditions:
Autosomal recessive polycystic kidney disease (ARPKD). Also called: AR polycystic kidney disease. Identifiers: Orphanet 731, Orphanet 8378, MedGen C0085548, MeSH D017044, MONDO:0009889.
Polycystic kidney disease. Also called: Kidney, Polycystic; Polycystic kidney dysplasia. Identifiers: MedGen C0022680, MeSH D007690, MONDO:0020642, HP:0000113.

Allele frequency attached by ClinVar (database versions not stated): gnomAD exomes 0.00048 and 0.00129; ExAC 0.00146; gnomAD 0.00262 and 0.00271; TOPMed 0.00303; ESP Exome Variant Server 0.00354; 1000 Genomes Project 0.00459; 1000 Genomes Project 30x 0.00484.
gnomAD v4.1: 1,124 of 1,613,288 alleles (0.07%); highest among the groups gnomAD compares: African/African-American, 0.84%; 11 homozygotes.

Submissions (9):

Labcorp Genetics (formerly Invitae), Labcorp
Classification: Benign for Autosomal recessive polycystic kidney disease. Last evaluated: 2026-02-02. Review status: criteria provided, single submitter. Criteria: Invitae Variant Classification Sherloc (09022015). Collection method: clinical testing. Allele origin: germline.

CeGaT Center for Human Genetics Tuebingen
Classification: Likely benign. Last evaluated: 2024-12-01. Review status: criteria provided, single submitter. Criteria: CeGaT Center For Human Genetics Tuebingen Variant Classification Criteria Version 2. Collection method: clinical testing. Allele origin: germline. Affected: yes. Observed: 1 variant allele.
Comment: PKHD1: BP4, BP7

Blueprint Genetics
Classification: Likely benign. Last evaluated: 2024-10-07. Review status: criteria provided, single submitter. Criteria: ACMG Guidelines, 2015. Collection method: clinical testing. Allele origin: germline.

GeneDx
Classification: Likely benign. Last evaluated: 2020-11-18. Review status: criteria provided, single submitter. Criteria: GeneDx Variant Classification Process June 2021. Collection method: clinical testing. Allele origin: germline. Affected: yes.

Women's Health and Genetics/Laboratory Corporation of America, LabCorp
Classification: Likely benign. Last evaluated: 2020-11-01. Review status: criteria provided, single submitter. Criteria: LabCorp Variant Classification Summary - May 2015. Collection method: clinical testing. Allele origin: germline.

Eurofins Ntd Llc (ga)
Classification: Benign. Last evaluated: 2016-09-26. Review status: criteria provided, single submitter. Criteria: EGL Classification Definitions 2015. Collection method: clinical testing. Allele origin: germline. Observed: 1 variant allele, 1 heterozygote.

PreventionGenetics, part of Exact Sciences
Classification: Likely benign. Review status: criteria provided, single submitter. Criteria: ACMG Guidelines, 2015. Collection method: clinical testing. Allele origin: germline.

Natera, Inc.
Classification: Benign for Autosomal recessive polycystic kidney disease. Last evaluated: 2017-05-11. Review status: no assertion criteria provided. Collection method: clinical testing. Allele origin: germline. Not counted in ClinVar's aggregate classification.

Department of Pathology and Laboratory Medicine, Sinai Health System
Classification: Likely benign for Polycystic Kidney disease. Review status: no assertion criteria provided. Collection method: clinical testing. Allele origin: unknown. Affected: yes. Study: The Canadian Open Genetics Repository (COGR). Not counted in ClinVar's aggregate classification.
Comment: The PKHD1 p.Leu2062= variant was not identified in the literature nor was it identified in the LOVD 3.0, RWTH AAachen University ARPKD databases. The variant was identified in dbSNP (ID: rs116156469) as â€šÃ„ÃºWith Likely benign alleleâ€šÃ„Ã¹, ClinVar (as likely benign by Prevention Genetics), and Clinvitae (1x as â€šÃ„Ãºlikely benignâ€šÃ„Ã¹). The variant was identified in control databases in 381 of 276812 chromosomes at a frequency of 0.001376 in the following populations: African in 212 (2 homozygous) of 24028 chromosomes (freq. 0.0088), Ashkenazi Jewish in 46 of 10140 chromosomes (freq. 0.0045), South Asian in 78 (2 homozygous) of 30782 chromosomes (freq. 0.0025), Other in 9 of 6456 chromosomes (freq. 0.001), Latino in 21 of 34338 chromosomes (freq. 0.0006), and European (Non-Finnish) in 15 of 126444 chromosomes (freq. 0.0001) increasing the likelihood this could be a low frequency benign variant (Genome Aggregation Consortium Feb 27, 2017). The p.Leu2062= variant is not expected to have clinical significance because it does not result in a change of amino acid and is not located in a known consensus splice site. In addition, in silico or computational prediction software programs (SpliceSiteFinder, MaxEntScan, NNSPLICE, GeneSplicer, HumanSpliceFinder) do not predict a difference in splicing. In summary, based on the above information the clinical significance of this variant cannot be determined with certainty at this time although we would lean towards a more benign role for this variant. This variant is classified as likely benign.

NM_138694.4(PKHD1):c.6184C>T (p.Leu2062=)

Gene: PKHD1 (PKHD1 ciliary IPT domain containing fibrocystin/polyductin; minus strand). Cytogenetic location: 6p12.2.
Variant type: single nucleotide variant.
Coding change: c.6184C>T on transcript NM_138694.4 (MANE Select); coding-DNA position 6184, C replaced by T.
Protein change: p.Leu2062=; no amino-acid change (leucine 2062 retained).
Molecular consequence: synonymous variant.
Genome position (GRCh38, 1-based): chr6:51,912,514, G>A on the plus strand (C>T on the coding strand, the complement: PKHD1 is on the minus strand). VCF-style: chr6-51912514-G-A. GRCh37 (hg19) VCF-style: chr6-51777312-G-A.
Other names: c.6184C>T, p.Leu2062= (NM_170724.3).
Identifiers: ClinVar variation 262407 (VCV000262407.40), dbSNP rs116156469, ClinGen allele CA3852317.
Genomic context (GRCh38, chr6:51,912,514, plus strand): 5'-TTCCACTGATGATGACAACTTCATCCCCAGGGTTCCAGTCCACAGCATCTTCTAAAGCCA[G>A]CACTGTGTCTAGGGCATGGGCAGTTGCTCTAAGACAGGTGACAATTACTTCTGGTAGTGA-3'
Protein context (NP_619639.3, residues 2052-2072): RATAHALDTV[Leu2062=]ALEDAVDWNP